The following is an entry in ClinVar:

ClinVar aggregate classification (germline): Benign. Review status: reviewed by expert panel (3 of 4 stars). 37 submissions from 37 submitters: Benign (1). 36 of the submissions do not count toward it. Last evaluated 2024-06-11.

Conditions:
BRCA1-related cancer predisposition. Identifiers: MedGen CN377757, MONDO:0700268.
BRCA1-related disorder. Also called: BRCA1-related condition.
Hereditary cancer-predisposing syndrome. Also called: Neoplastic Syndromes, Hereditary; Tumor predisposition; Hereditary Cancer Syndrome; Hereditary neoplastic syndrome. Identifiers: Orphanet 140162, MedGen C0027672, MeSH D009386, MONDO:0015356.
Breast and/or ovarian cancer. Identifiers: MedGen CN221562.
Hereditary breast ovarian cancer syndrome. Also called: Hereditary breast and/or ovarian cancer syndrome; Hereditary breast and ovarian cancer syndrome; Hereditary breast and ovarian cancer; Hereditary breast and ovarian cancer syndrome (HBOC); Breast and ovarian cancer; BRCA1- and BRCA2-Associated Hereditary Breast and Ovarian Cancer. Identifiers: Orphanet 145, MedGen C0677776, MeSH D061325, MONDO:0003582. Disease mechanism: loss of function.
Breast-ovarian cancer, familial, susceptibility to, 1 (BROVCA1). Also called: OVARIAN CANCER, SUSCEPTIBILITY TO; BRCA1 Hereditary Breast and Ovarian Cancer. Identifiers: Orphanet 145, MedGen C2676676, MONDO:0011450, OMIM 604370. Disease mechanism: loss of function.
Malignant tumor of breast. Also called: Malignant breast neoplasm; Cancer breast. Identifiers: MedGen C0006142, MONDO:0007254. Disease mechanism: loss of function.

Allele frequency attached by ClinVar (database versions not stated): 1000 Genomes Project 30x 0.00031; 1000 Genomes Project 0.00040; TOPMed 0.00077; gnomAD 0.00117; gnomAD exomes 0.00119 and 0.00147; ESP Exome Variant Server 0.00123; ExAC 0.00147.
gnomAD v4.1: 1,893 of 1,613,468 alleles (0.12%); highest among the groups gnomAD compares: Middle Eastern, 0.13%; 2 homozygotes.

Submissions 1 to 19 of 37:

ClinGen ENIGMA BRCA1 and BRCA2 Variant Curation Expert Panel, ClinGen
Classification: Benign for BRCA1-related cancer predisposition. Last evaluated: 2024-06-11. Review status: reviewed by expert panel. Criteria: CSpec BRCA1/2ACMG Rules Specifications V1.0. Collection method: curation. Allele origin: germline. Inheritance: Autosomal dominant inheritance.
Comment: The c.591C>T variant in BRCA1 is a synonymous variant (p.Cys197=). The highest non-cancer, non-founder population filter allele frequency in gnomAD v2.1 (exomes only, non-cancer subset, read depth >=20) or gnomAD v3.1 (non-cancer subset, read depth >=20) is 0.001402 in the European (non-Finnish) population, which is above the ENIGMA BRCA1/2 VCEP threshold (>0.001) for BA1 (BA1 met). This is a synonymous (silent) variant, and mRNA experimental analysis indicates no impact on splicing or an increase of in-frame naturally occurring splice isoforms with production of wildtype transcripts (PMIDs: 19892845, 22505045, 24607278, 23239986), considered strong evidence against pathogenicity (BP7_Strong (RNA)). Multifactorial likelihood ratio analysis using clinically calibrated data produced a combined LR for this variant of 1.33E-16 (based on Pathology LR=1.33E-16), below the threshold for very strong benign evidence (LR <0.00285) (BP5_Very strong met; ENIGMA internal contributor). In summary, this variant meets the criteria to be classified as a Benign variant for BRCA1-related cancer predisposition based on the ACMG/AMP criteria applied as specified by the ENIGMA BRCA1/2 VCEP (BA1, BP7_Strong (RNA), BP5_Very strong).

CeGaT Center for Human Genetics Tuebingen
Classification: Benign. Last evaluated: 2026-08-01. Review status: criteria provided, single submitter. Criteria: CeGaT Center For Human Genetics Tuebingen Variant Classification Criteria Version 2. Collection method: clinical testing. Allele origin: germline. Affected: yes. Observed: 32 variant alleles. Not counted in ClinVar's aggregate classification.
Comment: BRCA1: BP4, BS1, BS2

Labcorp Genetics (formerly Invitae), Labcorp
Classification: Benign for Hereditary breast ovarian cancer syndrome. Last evaluated: 2026-02-03. Review status: criteria provided, single submitter. Criteria: Invitae Variant Classification Sherloc (09022015). Collection method: clinical testing. Allele origin: germline. Not counted in ClinVar's aggregate classification.

Center for Genomic Medicine, Rigshospitalet, Copenhagen University Hospital
Classification: Benign. Last evaluated: 2025-03-04. Review status: criteria provided, single submitter. Criteria: ACMG Guidelines, 2015. Collection method: clinical testing. Allele origin: germline. Not counted in ClinVar's aggregate classification.

ARUP Laboratories, Molecular Genetics and Genomics, ARUP Laboratories
Classification: Benign. Last evaluated: 2025-01-10. Review status: criteria provided, single submitter. Criteria: ARUP Molecular Germline Variant Investigation Process 2024. Collection method: clinical testing. Allele origin: germline. Not counted in ClinVar's aggregate classification.

Blueprint Genetics
Classification: Likely benign. Last evaluated: 2024-11-22. Review status: criteria provided, single submitter. Criteria: ACMG Guidelines, 2015. Collection method: clinical testing. Allele origin: germline. Not counted in ClinVar's aggregate classification.

Institute for Biomarker Research, Medical Diagnostic Laboratories, L.L.C.
Classification: Benign for Hereditary breast ovarian cancer syndrome. Last evaluated: 2024-03-12. Review status: criteria provided, single submitter. Criteria: ACMG Guidelines, 2015. Collection method: clinical testing. Allele origin: germline. Not counted in ClinVar's aggregate classification.

KCCC/NGS Laboratory, Kuwait Cancer Control Center
Classification: Benign for Breast-ovarian cancer, familial, susceptibility to, 1. Last evaluated: 2023-07-07. Review status: criteria provided, single submitter. Criteria: ACMG Guidelines, 2015. Collection method: clinical testing. Allele origin: germline. Affected: yes. Not counted in ClinVar's aggregate classification.

Color Diagnostics, LLC DBA Color Health
Classification: Likely benign for Hereditary cancer-predisposing syndrome. Last evaluated: 2023-05-11. Review status: criteria provided, single submitter. Criteria: ACMG Guidelines, 2015. Collection method: clinical testing. Allele origin: germline. Not counted in ClinVar's aggregate classification.

National Health Laboratory Service, Universitas Academic Hospital and University of the Free State
Classification: Likely benign for Hereditary breast ovarian cancer syndrome. Last evaluated: 2021-11-16. Review status: criteria provided, single submitter. Criteria: ACMG Guidelines, 2015. Collection method: clinical testing. Allele origin: germline. Affected: yes. Observed: 2 variant alleles. Not counted in ClinVar's aggregate classification.

Genetics Program, Instituto Nacional de Cancer
Classification: Likely benign for Hereditary breast ovarian cancer syndrome. Last evaluated: 2021-11-01. Review status: criteria provided, single submitter. Criteria: ACMG Guidelines, 2015. Collection method: research. Allele origin: germline. Affected: yes. Not counted in ClinVar's aggregate classification.

Sema4
Classification: Benign for Hereditary cancer-predisposing syndrome. Last evaluated: 2020-07-08. Review status: criteria provided, single submitter. Criteria: Sema4 Curation Guidelines. Collection method: curation. Allele origin: germline. Not counted in ClinVar's aggregate classification.

Mendelics
Classification: Likely benign for Breast-ovarian cancer, familial, susceptibility to, 1. Last evaluated: 2019-05-28. Review status: criteria provided, single submitter. Criteria: Mendelics Assertion Criteria 2017. Collection method: clinical testing. Allele origin: unknown. Not counted in ClinVar's aggregate classification.

Genetic Services Laboratory, University of Chicago
Classification: Benign. Last evaluated: 2019-04-17. Review status: criteria provided, single submitter. Criteria: ACMG Guidelines, 2015. Collection method: clinical testing. Allele origin: germline. Affected: no. Not counted in ClinVar's aggregate classification.

Institute of Human Genetics, University of Leipzig Medical Center
Classification: Benign for Breast-ovarian cancer, familial, susceptibility to, 1. Last evaluated: 2019-01-01. Review status: criteria provided, single submitter. Criteria: ACMG Guidelines, 2015. Collection method: clinical testing. Allele origin: unknown. Affected: yes. Not counted in ClinVar's aggregate classification.

Illumina Laboratory Services, Illumina
Classification: Likely benign for Breast-ovarian cancer, familial, susceptibility to, 1. Last evaluated: 2018-01-18. Review status: criteria provided, single submitter. Criteria: ICSL Variant Classification Criteria 13 December 2019. Collection method: clinical testing. Allele origin: germline. Not counted in ClinVar's aggregate classification.
Comment: This variant was observed as part of a predisposition screen in an ostensibly healthy population. A literature search was performed for the gene, cDNA change, and amino acid change (where applicable). Publications were found based on this search. The evidence from the literature, in combination with allele frequency data from public databases where available, was sufficient to determine this variant is unlikely to cause disease. Therefore, this variant is classified as likely benign.

CHEO Genetics Diagnostic Laboratory, Children's Hospital of Eastern Ontario
Classification: Benign for Breast and/or ovarian cancer. Last evaluated: 2017-06-12. Review status: criteria provided, single submitter. Criteria: ACMG Guidelines, 2015. Collection method: clinical testing. Allele origin: germline. Study: Canadian Open Genetics Repository. Not counted in ClinVar's aggregate classification.

Laboratory for Molecular Medicine, Mass General Brigham Personalized Medicine
Classification: Likely benign. Last evaluated: 2016-03-29. Review status: criteria provided, single submitter. Criteria: LMM Criteria. Collection method: clinical testing. Allele origin: germline. Not counted in ClinVar's aggregate classification.
Comment: Variant identified in a genome or exome case(s) and assessed due to predicted null impact of the variant or pathogenic assertions in the literature or databases. Disclaimer: This variant has not undergone full assessment. The following are preliminary notes: ExAC: 0.6% (45/6615) Finnish chromosomes; ClinVar: 7 labs classify as B/LB

Eurofins Ntd Llc (ga)
Classification: Benign. Last evaluated: 2015-05-21. Review status: criteria provided, single submitter. Criteria: EGL Classification Definitions 2015. Collection method: clinical testing. Allele origin: germline. Observed: 2 variant alleles, 2 heterozygotes. Not counted in ClinVar's aggregate classification.

NM_007294.4(BRCA1):c.591C>T (p.Cys197=)

Gene: BRCA1 (BRCA1 DNA repair associated; minus strand). Cytogenetic location: 17q21.31.
Variant type: single nucleotide variant.
Coding change: c.591C>T on transcript NM_007294.4 (MANE Select); coding-DNA position 591, C replaced by T.
Protein change: p.Cys197=; no amino-acid change (cysteine 197 retained).
Molecular consequence: synonymous variant. On other transcripts: intron variant (115).
Genome position (GRCh38, 1-based): chr17:43,097,246, G>A on the plus strand (C>T on the coding strand, the complement: BRCA1 is on the minus strand). VCF-style: chr17-43097246-G-A. GRCh37 (hg19) VCF-style: chr17-41249263-G-A.
Other names: 710C/T; C197C; p.C197C:TGC>TGT; NP_009225.1:p.Cys197=; NM_007294.4(BRCA1):c.591C>T; p.Cys197=; 710C>T; c.378C>T, p.Cys126= (NM_001407571.1, NM_001407853.1, NM_001407894.1 and 12 more transcripts); and 24 more.
Identifiers: ClinVar variation 55642 (VCV000055642.135), dbSNP rs1799965, ClinGen allele CA003746.